The following is an entry in ClinVar:

ClinVar aggregate classification (germline): Likely pathogenic (1 of 4 stars; one submission).

Conditions:
Neuromuscular disease caused by qualitative or quantitative defects of dystrophin. Also called: Qualitative or quantitative defects of dystrophin. Identifiers: Orphanet 207085, MedGen C5679787, MONDO:0016147.

Submission:

Women's Health and Genetics/Laboratory Corporation of America, LabCorp
Classification: Likely pathogenic for Neuromuscular disease caused by qualitative or quantitative defects of dystrophin. Last evaluated: 2025-05-13. Review status: criteria provided, single submitter. Criteria: LabCorp Variant Classification Summary - May 2015. Collection method: clinical testing. Allele origin: germline.
Comment: Variant summary: The variant involves the deletion of exon 9 in the DMD gene. A presumed nomenclature of c.(831+1_832-1)_(960+1_961-1)del has been designated for the purposes of this classification. This Copy Number Variant (CNV) is predicted to result in an in-frame deletion within this gene. A variant involving the deletion of exon 9 was found at a frequency of 1e-05 in 95253 control chromosomes (i.e. in a female carrier) in the gnomAD database (Structural Variants v4.1 dataset). Deletion of exon 9 has been reported in the literature in individuals affected with Dystrophinopathies (e.g. Zamani_2015, Zamani_2022 and Ayala-Ramirez_2017 via LOVD [No PMID]). In addition, in an individual manifesting only elevated creatine kinase levels increased exon-9 skipping was found through mRNA analysis, however the genomic level alteration was not clarified (Segarra-Casas_2023). These data indicate that the variant may be associated with disease. To our knowledge, no experimental evidence demonstrating an impact on protein function has been reported. The following publications have been ascertained in the context of this evaluation (PMID: 26081009, 35501714, 36535754). ClinVar contains an entry for this variant (Variation ID: 2424873). Based on the evidence outlined above, the variant was classified as likely pathogenic.

Literature cited by the submitters: PubMed 26081009; PubMed 35501714; PubMed 36535754.

NC_000023.10:g.(32663270_32715986)_(32716116_32717228)del

Gene: DMD (dystrophin; minus strand). Cytogenetic location: Xp21.1.
Variant type: Deletion.
Identifiers: ClinVar variation 1098748 (VCV001098748.2).